The following is an entry in ClinVar:

ClinVar aggregate classification (germline): Benign/Likely benign. Review status: criteria provided, multiple submitters, no conflicts (2 of 4 stars). 2 submissions from 2 submitters: Benign (1); Likely benign (1). Last evaluated 2025-12-08.

Conditions:
Tuberous sclerosis 2 (TSC2). Identifiers: Orphanet 805, MedGen C1860707, MONDO:0013199, OMIM 613254.

Allele frequency attached by ClinVar (database versions not stated): TOPMed below 0.00001; ExAC 0.00002.
gnomAD v4.1: 1 of 1,614,086 alleles (0.000062%); highest among the groups gnomAD compares: East Asian, 0.0022%; no homozygotes.

Submissions (2):

Labcorp Genetics (formerly Invitae), Labcorp
Classification: Likely benign for Tuberous sclerosis 2. Last evaluated: 2025-12-08. Review status: criteria provided, single submitter. Criteria: Invitae Variant Classification Sherloc (09022015). Collection method: clinical testing. Allele origin: germline.

Myriad Genetics, Inc.
Classification: Benign for Tuberous sclerosis 2. Last evaluated: 2024-09-05. Review status: criteria provided, single submitter. Criteria: Myriad Autosomal Dominant, Autosomal Recessive and X-Linked Classification Criteria (2023). Collection method: clinical testing. Allele origin: unknown.
Comment: This variant is considered benign. This variant is intronic and is not expected to impact mRNA splicing. This variant has been observed at a population frequency that is significantly greater than expected given the associated disease prevalence and penetrance.

NM_000548.5(TSC2):c.1120-12C>T

Gene: TSC2 (TSC complex subunit 2; plus strand). Cytogenetic location: 16p13.3.
Variant type: single nucleotide variant.
Coding change: c.1120-12C>T on transcript NM_000548.5 (MANE Select); 12 bases into the intron before coding-DNA position 1120, C replaced by T.
Molecular consequence: intron variant.
Genome position (GRCh38, 1-based): chr16:2,061,859, C>T. VCF-style: chr16-2061859-C-T. GRCh37 (hg19) VCF-style: chr16-2111860-C-T.
Other names: c.1120-12C>T (NM_001114382.3, NM_021055.3, NM_001370405.1 and 3 more transcripts); c.1009-12C>T (NM_001318827.2); c.520-12C>T (NM_001318831.2); c.973-12C>T (NM_001318829.2); c.1153-12C>T (NM_001318832.2).
Identifiers: ClinVar variation 2428138 (VCV002428138.7), dbSNP rs773688581, ClinGen allele CA028433.